The following is an entry in ClinVar:

NM_007294.4(BRCA1):c.2150A>G (p.Glu717Gly)

Gene: BRCA1 (BRCA1 DNA repair associated; minus strand). Cytogenetic location: 17q21.31.
Variant type: single nucleotide variant.
Coding change: c.2150A>G on transcript NM_007294.4 (MANE Select); coding-DNA position 2150, A replaced by G.
Protein change: p.Glu717Gly; replaces glutamic acid 717 with glycine.
Molecular consequence: missense variant. On other transcripts: intron variant (137).
Genome position (GRCh38, 1-based): chr17:43,093,381, T>C on the plus strand (A>G on the coding strand, the complement: BRCA1 is on the minus strand). VCF-style: chr17-43093381-T-C. GRCh37 (hg19) VCF-style: chr17-41245398-T-C.
Other names: c.2150A>G, p.Glu717Gly (NM_001407603.1, NM_001407605.1, NM_001407616.1 and 30 more transcripts); c.2147A>G, p.Glu716Gly (NM_001407610.1, NM_001407611.1, NM_001407612.1 and 22 more transcripts); c.2141A>G, p.Glu714Gly (NM_001407647.1, NM_001407646.1); c.2027A>G, p.Glu676Gly (NM_001407648.1, NM_001407668.1, NM_001407669.1 and 19 more transcripts); c.2024A>G, p.Glu675Gly (NM_001407649.1, NM_001407670.1, NM_001407671.1 and 11 more transcripts); c.2072A>G, p.Glu691Gly (NM_001407653.1, NM_001407654.1, NM_001407655.1 and 4 more transcripts); c.2009A>G, p.Glu670Gly (NM_001407692.1, NM_001407694.1, NM_001407695.1 and 29 more transcripts); c.2006A>G, p.Glu669Gly (NM_001407740.1, NM_001407741.1, NM_001407838.1 and 20 more transcripts); and 41 more; short protein forms E670G, E717G, E605G, E628G, E647G, E650G, E549G, E590G.
Identifiers: ClinVar variation 1515824 (VCV001515824.11), dbSNP rs2154396821, ClinGen allele CA10597704.

ClinVar aggregate classification (germline): Conflicting classifications of pathogenicity. Review status: criteria provided, conflicting classifications (1 of 4 stars). 2 submissions from 2 submitters: Uncertain significance (1); Likely benign (1). Last evaluated 2023-03-23.

Conditions:
Hereditary breast ovarian cancer syndrome. Also called: Hereditary breast and/or ovarian cancer syndrome; Breast and ovarian cancer; Hereditary breast and ovarian cancer; BRCA1- and BRCA2-Associated Hereditary Breast and Ovarian Cancer; Hereditary breast and ovarian cancer syndrome; Hereditary breast and ovarian cancer syndrome (HBOC). Identifiers: Orphanet 145, MedGen C0677776, MeSH D061325, MONDO:0003582. Disease mechanism: loss of function.
Hereditary cancer-predisposing syndrome. Also called: Tumor predisposition; Neoplastic Syndromes, Hereditary; Hereditary neoplastic syndrome; Hereditary Cancer Syndrome. Identifiers: Orphanet 140162, MedGen C0027672, MeSH D009386, MONDO:0015356.

Submissions (2):

University of Washington Department of Laboratory Medicine, University of Washington
Classification: Likely benign for Hereditary cancer-predisposing syndrome. Last evaluated: 2023-03-23. Review status: criteria provided, single submitter. Criteria: Dines et al. (Genet Med. 2020). Collection method: curation. Allele origin: germline.
Comment: Missense variant in a coldspot region where missense variants are very unlikely to be pathogenic (PMID:31911673).

BRCA1 coldspot (exon 11 using historical exon numbering). Reclassification based on statistical prior probability

Labcorp Genetics (formerly Invitae), Labcorp
Classification: Uncertain significance for Hereditary breast ovarian cancer syndrome. Last evaluated: 2021-06-21. Review status: criteria provided, single submitter. Criteria: Invitae Variant Classification Sherloc (09022015). Collection method: clinical testing. Allele origin: germline.
Comment: In summary, the available evidence is currently insufficient to determine the role of this variant in disease. Therefore, it has been classified as a Variant of Uncertain Significance. Advanced modeling of protein sequence and biophysical properties (such as structural, functional, and spatial information, amino acid conservation, physicochemical variation, residue mobility, and thermodynamic stability) performed at Invitae indicates that this missense variant is not expected to disrupt BRCA1 protein function. This variant has not been reported in the literature in individuals with BRCA1-related conditions. This variant is not present in population databases (ExAC no frequency). This sequence change replaces glutamic acid with glycine at codon 717 of the BRCA1 protein (p.Glu717Gly). The glutamic acid residue is weakly conserved and there is a moderate physicochemical difference between glutamic acid and glycine.